The following is an entry in ClinVar:

ClinVar aggregate classification (germline): Uncertain significance (1 of 4 stars; one submission).

Conditions:
Wilson disease (WND). Also called: Wilson's disease. Identifiers: Orphanet 905, MedGen C0019202, MONDO:0010200, OMIM 277900. Disease mechanism: loss of function.

Submission:

All of Us Research Program, National Institutes of Health
Classification: Uncertain significance for Wilson disease. Last evaluated: 2023-04-03. Review status: criteria provided, single submitter. Criteria: ACMG Guidelines, 2015. Collection method: clinical testing. Allele origin: germline. Inheritance: Autosomal recessive inheritance. Observed: 1 variant allele, 1 heterozygote.
Comment: This missense variant replaces aspartic acid with alanine at codon 1093 of the ATP7B protein. Computational prediction suggests that this variant may have deleterious impact on protein structure and function (internally defined REVEL score threshold >= 0.7, PMID: 27666373). To our knowledge, functional studies have not been reported for this variant. This variant has not been reported in individuals affected with ATP7B-related disorders in the literature. This variant has not been identified in the general population by the Genome Aggregation Database (gnomAD). The available evidence is insufficient to determine the role of this variant in disease conclusively. Therefore, this variant is classified as a Variant of Uncertain Significance.

This study involves interpretation of variants in research participants for the purpose of population health screening. Participant phenotype was not available at the time of variant classification. Additional details can be found in publication PMID: 35346344, PMCID: PMC8962531

NM_000053.4(ATP7B):c.3278A>C (p.Asp1093Ala)

Gene: ATP7B (ATPase copper transporting beta; minus strand). Cytogenetic location: 13q14.3.
Variant type: single nucleotide variant.
Coding change: c.3278A>C on transcript NM_000053.4 (MANE Select); coding-DNA position 3278, A replaced by C.
Protein change: p.Asp1093Ala; replaces aspartic acid 1093 with alanine.
Molecular consequence: missense variant.
Genome position (GRCh38, 1-based): chr13:51,942,520, T>G on the plus strand (A>C on the coding strand, the complement: ATP7B is on the minus strand). VCF-style: chr13-51942520-T-G. GRCh37 (hg19) VCF-style: chr13-52516656-T-G.
Other names: c.3245A>C, p.Asp1082Ala (NM_001406514.1); c.3272A>C, p.Asp1091Ala (NM_001406513.1); c.3224A>C, p.Asp1075Ala (NM_001406515.1, NM_001406516.1); c.3182A>C, p.Asp1061Ala (NM_001406517.1, NM_001406518.1); c.3143A>C, p.Asp1048Ala (NM_001406519.1); c.3134A>C, p.Asp1045Ala (NM_001406520.1, NM_001406521.1, NM_001406522.1); c.3095A>C, p.Asp1032Ala (NM_001406523.1); c.3101A>C, p.Asp1034Ala (NM_001406524.1); and 19 more; short protein forms D1009A, D1013A, D1015A, D1028A, D1032A, D1034A, D1045A, D1048A.
Identifiers: ClinVar variation 3070133 (VCV003070133.1), dbSNP rs1022670769, ClinGen allele CA388028782.